The following is an entry in ClinVar:

NM_000136.3(FANCC):c.1448C>T (p.Ala483Val)

Genes: FANCC (FA complementation group C; minus strand), AOPEP (aminopeptidase O (putative); plus strand). Cytogenetic location: 9q22.32.
Variant type: single nucleotide variant.
Coding change: c.1448C>T on transcript NM_000136.3 (MANE Select); coding-DNA position 1448, C replaced by T.
Protein change: p.Ala483Val; replaces alanine 483 with valine.
Molecular consequence: missense variant.
Genome position (GRCh38, 1-based): chr9:95,107,151, G>A on the plus strand (C>T on the coding strand, the complement: FANCC is on the minus strand). VCF-style: chr9-95107151-G-A. GRCh37 (hg19) VCF-style: chr9-97869433-G-A.
Other names: c.1448C>T, p.Ala483Val (NM_001243743.2); short protein forms A483V.
Identifiers: ClinVar variation 3230363 (VCV003230363.1), dbSNP rs2540809022, ClinGen allele CA374105868.

ClinVar aggregate classification (germline): Uncertain significance (1 of 4 stars; one submission).

Conditions:
Hereditary cancer-predisposing syndrome. Also called: Neoplastic Syndromes, Hereditary; Tumor predisposition; Hereditary neoplastic syndrome; Hereditary Cancer Syndrome. Identifiers: Orphanet 140162, MedGen C0027672, MeSH D009386, MONDO:0015356.

Submission:

Ambry Genetics
Classification: Uncertain significance for Hereditary cancer-predisposing syndrome. Last evaluated: 2023-10-15. Review status: criteria provided, single submitter. Criteria: Ambry Variant Classification Scheme 2023. Collection method: clinical testing. Allele origin: germline.
Comment: The p.A483V variant (also known as c.1448C>T), located in coding exon 13 of the FANCC gene, results from a C to T substitution at nucleotide position 1448. The alanine at codon 483 is replaced by valine, an amino acid with similar properties. This amino acid position is conserved. In addition, this alteration is predicted to be tolerated by in silico analysis. Since supporting evidence is limited at this time, the clinical significance of this alteration remains unclear.